The following is an entry in ClinVar:

ClinVar aggregate classification (germline): Uncertain significance. Review status: criteria provided, multiple submitters, no conflicts (2 of 4 stars). 2 submissions from 2 submitters: Uncertain significance (2). Last evaluated 2024-10-12.

Conditions:
Inborn genetic diseases. Identifiers: MedGen C0950123, MeSH D030342.

Allele frequency attached by ClinVar (database versions not stated): TOPMed below 0.00001; gnomAD 0.00001.
gnomAD v4.1: 1 of 1,613,650 alleles (0.000062%); highest among the groups gnomAD compares: African/African-American, 0.0013%; no homozygotes.

Submissions (2):

Ambry Genetics
Classification: Uncertain significance for Inborn genetic diseases. Last evaluated: 2024-10-12. Review status: criteria provided, single submitter. Criteria: Ambry Variant Classification Scheme 2023. Collection method: clinical testing. Allele origin: germline.

Labcorp Genetics (formerly Invitae), Labcorp
Classification: Uncertain significance. Last evaluated: 2021-07-12. Review status: criteria provided, single submitter. Criteria: Invitae Variant Classification Sherloc (09022015). Collection method: clinical testing. Allele origin: germline.
Comment: This variant has not been reported in the literature in individuals with DOCK6-related conditions. This sequence change replaces tyrosine with histidine at codon 1289 of the DOCK6 protein (p.Tyr1289His). The tyrosine residue is moderately conserved and there is a moderate physicochemical difference between tyrosine and histidine. This variant is not present in population databases (ExAC no frequency). Algorithms developed to predict the effect of missense changes on protein structure and function output the following: SIFT: "Tolerated"; PolyPhen-2: "Benign"; Align-GVGD: "Class C0". The histidine amino acid residue is found in multiple mammalian species, suggesting that this missense change does not adversely affect protein function. These predictions have not been confirmed by published functional studies and their clinical significance is uncertain. In summary, the available evidence is currently insufficient to determine the role of this variant in disease. Therefore, it has been classified as a Variant of Uncertain Significance.

NM_020812.4(DOCK6):c.3865T>C (p.Tyr1289His)

Genes: DOCK6 (dedicator of cytokinesis 6; minus strand), DOCK6-AS1 (DOCK6 antisense RNA 1; plus strand). Cytogenetic location: 19p13.2.
Variant type: single nucleotide variant.
Coding change: c.3865T>C on transcript NM_020812.4 (MANE Select); coding-DNA position 3865, T replaced by C.
Protein change: p.Tyr1289His; replaces tyrosine 1289 with histidine.
Molecular consequence: missense variant.
Genome position (GRCh38, 1-based): chr19:11,216,943, A>G on the plus strand (T>C on the coding strand, the complement: DOCK6 is on the minus strand). VCF-style: chr19-11216943-A-G. GRCh37 (hg19) VCF-style: chr19-11327619-A-G.
Other names: c.3865T>C (NM_020812.2); c.3970T>C, p.Tyr1324His (NM_001367830.1); short protein forms Y1324H, Y1289H.
Identifiers: ClinVar variation 1498776 (VCV001498776.9), dbSNP rs1420409284, ClinGen allele CA404085004.